The following is an entry in ClinVar:

NM_005188.4(CBL):c.2260A>G (p.Asn754Asp)

Gene: CBL (Cbl proto-oncogene; plus strand). Cytogenetic location: 11q23.3.
Variant type: single nucleotide variant.
Coding change: c.2260A>G on transcript NM_005188.4 (MANE Select); coding-DNA position 2260, A replaced by G.
Protein change: p.Asn754Asp; replaces asparagine 754 with aspartic acid.
Molecular consequence: missense variant.
Genome position (GRCh38, 1-based): chr11:119,298,366, A>G. VCF-style: chr11-119298366-A-G. GRCh37 (hg19) VCF-style: chr11-119169076-A-G.
Other names: short protein forms N754D.
Identifiers: ClinVar variation 1980923 (VCV001980923.4), dbSNP rs2496973507, ClinGen allele CA382928938.

ClinVar aggregate classification (germline): Uncertain significance (1 of 4 stars; one submission).

Conditions:
RASopathy. Also called: rasopathies; Noonan spectrum disorder. Identifiers: Orphanet 536391, MedGen C5555857, MONDO:0021060.

gnomAD v4.1: 1 of 1,614,120 alleles (0.000062%); no homozygotes.

Submission:

Labcorp Genetics (formerly Invitae), Labcorp
Classification: Uncertain significance for RASopathy. Last evaluated: 2025-01-16. Review status: criteria provided, single submitter. Criteria: Invitae Variant Classification Sherloc (09022015). Collection method: clinical testing. Allele origin: germline.
Comment: This sequence change replaces asparagine, which is neutral and polar, with aspartic acid, which is acidic and polar, at codon 754 of the CBL protein (p.Asn754Asp). This variant is not present in population databases (gnomAD no frequency). This variant has not been reported in the literature in individuals affected with CBL-related conditions. ClinVar contains an entry for this variant (Variation ID: 1980923). Invitae Evidence Modeling of protein sequence and biophysical properties (such as structural, functional, and spatial information, amino acid conservation, physicochemical variation, residue mobility, and thermodynamic stability) indicates that this missense variant is not expected to disrupt CBL protein function with a negative predictive value of 95%. In summary, the available evidence is currently insufficient to determine the role of this variant in disease. Therefore, it has been classified as a Variant of Uncertain Significance.